The following is an entry in ClinVar:

ClinVar aggregate classification (germline): Likely pathogenic (1 of 4 stars; one submission).

Conditions:
Marfan syndrome (MFS). Also called: MARFAN SYNDROME, TYPE I; Marfan syndrome type 1; Marfan's syndrome; Marfan syndrome, classic; FBN1-Related Marfan Syndrome. Identifiers: Orphanet 284963, Orphanet 558, MedGen C0024796, MONDO:0007947, OMIM 154700.
Familial thoracic aortic aneurysm and aortic dissection (TAAD). Also called: Thoracic aortic aneurysms and dissections. Identifiers: Orphanet 91387, MedGen C4707243, MONDO:0019625.

Submission:

Labcorp Genetics (formerly Invitae), Labcorp
Classification: Likely pathogenic for Marfan syndrome; Familial thoracic aortic aneurysm and aortic dissection. Last evaluated: 2024-08-12. Review status: criteria provided, single submitter. Criteria: Invitae Variant Classification Sherloc (09022015). Collection method: clinical testing. Allele origin: germline.
Comment: This sequence change replaces cysteine, which is neutral and slightly polar, with tryptophan, which is neutral and slightly polar, at codon 2406 of the FBN1 protein (p.Cys2406Trp). This variant is not present in population databases (gnomAD no frequency). This variant has not been reported in the literature in individuals affected with FBN1-related conditions. Advanced modeling of protein sequence and biophysical properties (such as structural, functional, and spatial information, amino acid conservation, physicochemical variation, residue mobility, and thermodynamic stability) performed at Invitae indicates that this missense variant is expected to disrupt FBN1 protein function with a positive predictive value of 95%. This variant affects a cysteine residue in the EGF-like, TGFBP or hybrid motif domains of FBN1. Cysteine residues are believed to be involved in intramolecular disulfide bridges and have been shown to be important for FBN1 protein structure (PMID: 16905551, 19349279). In addition, missense substitutions affecting cysteine residues within these domains are significantly overrepresented among patients with Marfan syndrome (PMID: 16571647, 17701892). This variant disrupts the p.Cys2406 amino acid residue in FBN1. Other variant(s) that disrupt this residue have been observed in individuals with FBN1-related conditions (PMID: 11700157; Invitae), which suggests that this may be a clinically significant amino acid residue. In summary, the currently available evidence indicates that the variant is pathogenic, but additional data are needed to prove that conclusively. Therefore, this variant has been classified as Likely Pathogenic.

Literature cited by the submitters: PubMed 16905551; PubMed 19349279; PubMed 16571647; PubMed 17701892; PubMed 11700157.

NM_000138.5(FBN1):c.7218C>G (p.Cys2406Trp)

Gene: FBN1 (fibrillin 1; minus strand). Cytogenetic location: 15q21.1.
Variant type: single nucleotide variant.
Coding change: c.7218C>G on transcript NM_000138.5 (MANE Select); coding-DNA position 7218, C replaced by G.
Protein change: p.Cys2406Trp; replaces cysteine 2406 with tryptophan.
Molecular consequence: missense variant.
Genome position (GRCh38, 1-based): chr15:48,425,851, G>C on the plus strand (C>G on the coding strand, the complement: FBN1 is on the minus strand). VCF-style: chr15-48425851-G-C. GRCh37 (hg19) VCF-style: chr15-48718048-G-C.
Other names: c.7218C>G, p.Cys2406Trp (NM_001406716.1); short protein forms C2406W.
Identifiers: ClinVar variation 3754043 (VCV003754043.2).